The following is an entry in ClinVar:

ClinVar aggregate classification (germline): Pathogenic (1 of 4 stars; one submission).

Conditions:
Familial adenomatous polyposis 4 (FAP4). Also called: MSH3-related attenuated familial adenomatous polyposis. Identifiers: Orphanet 480536, MedGen C4310719, MONDO:0044300, OMIM 617100.

Submission:

Myriad Genetics, Inc.
Classification: Pathogenic for Familial adenomatous polyposis 4. Last evaluated: 2023-08-30. Review status: criteria provided, single submitter. Criteria: Myriad Autosomal Dominant, Autosomal Recessive and X-Linked Classification Criteria (2023). Collection method: clinical testing. Allele origin: unknown.
Comment: This variant is considered pathogenic. This variant creates a frameshift predicted to result in premature protein truncation.

NM_002439.5(MSH3):c.2426_2427del (p.Asp809fs)

Gene: MSH3 (mutS homolog 3; plus strand). Cytogenetic location: 5q14.1.
Variant type: Deletion.
Coding change: c.2426_2427del on transcript NM_002439.5 (MANE Select); coding-DNA positions 2426 to 2427, 2 bases deleted (AT; older notation c.2426_2427delAT).
Protein change: p.Asp809fs; shifts the reading frame from aspartic acid 809.
Molecular consequence: frameshift variant.
Genome position (GRCh38, 1-based): chr5:80,778,827-80,778,828, AT deleted. VCF-style (leftmost placement, unchanged base first): chr5-80778826-GAT-G. GRCh37 (hg19) VCF-style: chr5-80074645-GAT-G.
Other names: short protein forms D809fs.
Identifiers: ClinVar variation 2673541 (VCV002673541.1), dbSNP rs2546779623, ClinGen allele CA2695198678.